The following is an entry in ClinVar:

ClinVar aggregate classification (germline): Uncertain significance (1 of 4 stars; one submission).

Submission:

Labcorp Genetics (formerly Invitae), Labcorp
Classification: Uncertain significance. Last evaluated: 2022-10-25. Review status: criteria provided, single submitter. Criteria: Invitae Variant Classification Sherloc (09022015). Collection method: clinical testing. Allele origin: germline.
Comment: This variant is not present in population databases (gnomAD no frequency). In summary, the available evidence is currently insufficient to determine the role of this variant in disease. Therefore, it has been classified as a Variant of Uncertain Significance. Variants that disrupt the consensus splice site are a relatively common cause of aberrant splicing (PMID: 17576681, 9536098). Algorithms developed to predict the effect of sequence changes on RNA splicing suggest that this variant is not likely to affect RNA splicing. ClinVar contains an entry for this variant (Variation ID: 1382620). This variant has not been reported in the literature in individuals affected with SAMD11-related conditions. This sequence change falls in intron 10 of the SAMD11 gene. It does not directly change the encoded amino acid sequence of the SAMD11 protein. It affects a nucleotide within the consensus splice site.

Literature cited by the submitters: PubMed 17576681; PubMed 9536098.

NM_001385641.1(SAMD11):c.1553+4G>C

Gene: SAMD11 (sterile alpha motif domain containing 11; plus strand). Cytogenetic location: 1p36.33.
Variant type: single nucleotide variant.
Coding change: c.1553+4G>C on transcript NM_001385641.1 (MANE Select); 4 bases into the intron after coding-DNA position 1553, G replaced by C.
Molecular consequence: intron variant.
Genome position (GRCh38, 1-based): chr1:942,492, G>C. VCF-style: chr1-942492-G-C. GRCh37 (hg19) VCF-style: chr1-877872-G-C.
Other names: c.1556+4G>C (NM_001385640.1); c.1064+4G>C (NM_152486.4).
Identifiers: ClinVar variation 1382620 (VCV001382620.6), dbSNP rs1339522436, ClinGen allele CA2520414546.
Genomic context (GRCh38, chr1:942,492, plus strand): 5'-GCAGGCGGAGATGTTCGCCTGGCAGCAGGAGCTCCTGCGGAAGCAGAACCTGGCCCGGTA[G>C]GTGCGGGGAGGCGGGCGGGGCCGCGCGGCCCGGGAGGCGGCTGACCCGCGTCTGCCCCCG-3'